The following is an entry in ClinVar:

NM_003590.5(CUL3):c.1449G>A (p.Thr483=)

Gene: CUL3 (cullin 3; minus strand). Cytogenetic location: 2q36.2.
Variant type: single nucleotide variant.
Coding change: c.1449G>A on transcript NM_003590.5 (MANE Select); coding-DNA position 1449, G replaced by A.
Protein change: p.Thr483=; no amino-acid change (threonine 483 retained).
Molecular consequence: synonymous variant.
Genome position (GRCh38, 1-based): chr2:224,503,001, C>T on the plus strand (G>A on the coding strand, the complement: CUL3 is on the minus strand). VCF-style: chr2-224503001-C-T. GRCh37 (hg19) VCF-style: chr2-225367718-C-T.
Other names: c.1251G>A, p.Thr417= (NM_001257197.2); c.1467G>A, p.Thr489= (NM_001257198.2).
Identifiers: ClinVar variation 2651947 (VCV002651947.24), dbSNP rs1429432359, ClinGen allele CA431492473.
Genomic context (GRCh38, chr2:224,503,001, plus strand): 5'-GTAGAAATTAACGCAGAATCTTACACCAGTTGCCTGTAGATGTTGCCTGAATTCATCCAT[C>T]GTTGTGTTTGAGATGCTCATATCCCTAAACATTCCTTCCAGTTTTGACGTGAACTGACAT-3'
Protein context (NP_003581.1, residues 473-493): MFRDMSISNT[Thr483=]MDEFRQHLQA

ClinVar aggregate classification (germline): Likely benign (1 of 4 stars; one submission).

Allele frequency attached by ClinVar (database versions not stated): gnomAD 0.00001; gnomAD exomes 0.00001; TOPMed 0.00001.
gnomAD v4.1: 9 of 1,613,782 alleles (0.00056%); highest among the groups gnomAD compares: East Asian, 0.0022%; no homozygotes.

Submission:

CeGaT Center for Human Genetics Tuebingen
Classification: Likely benign. Last evaluated: 2023-07-01. Review status: criteria provided, single submitter. Criteria: CeGaT Center For Human Genetics Tuebingen Variant Classification Criteria Version 2. Collection method: clinical testing. Allele origin: germline. Affected: yes. Observed: 1 variant allele.
Comment: CUL3: BP4, BP7